The following is an entry in ClinVar:

NM_005619.5(RTN2):c.51A>G (p.Thr17=)

Genes: OPA3-RTN2 (OPA3-RTN2 readthrough; minus strand), RTN2 (reticulon 2; minus strand). Cytogenetic location: 19q13.32.
Variant type: single nucleotide variant.
Coding change: c.51A>G on transcript NM_005619.5 (MANE Select); coding-DNA position 51, A replaced by G.
Protein change: p.Thr17=; no amino-acid change (threonine 17 retained).
Molecular consequence: synonymous variant.
Genome position (GRCh38, 1-based): chr19:45,495,123, T>C on the plus strand (A>G on the coding strand, the complement: RTN2 is on the minus strand). VCF-style: chr19-45495123-T-C. GRCh37 (hg19) VCF-style: chr19-45998381-T-C.
Other names: p.Thr17=; c.51A>G, p.Thr17= (NM_206900.3); c.51A>G (NM_005619.3).
Identifiers: ClinVar variation 383326 (VCV000383326.17), dbSNP rs117156117, ClinGen allele CA9516359.
Genomic context (GRCh38, chr19:45,495,123, plus strand): 5'-CTGAGCCCCTTCACATGCTCCCCACCACTTACCTTCTGTGGAATCAGGAGTTGAGGAGGC[T>C]GTAGACGGAGCTTCTTCTGCGAGAGGGAAAGAATCGAAGACTCTTAGAAGCTTAGACTGT-3'
Protein context (NP_005610.1, residues 7-27): VFAHCKEAPS[Thr17=]ASSTPDSTEG

ClinVar aggregate classification (germline): Benign. Review status: criteria provided, multiple submitters, no conflicts (2 of 4 stars). 6 submissions from 6 submitters: Benign (6). Last evaluated 2026-02-02.

Conditions:
Hereditary spastic paraplegia. Also called: Familial spastic paraparesis. Identifiers: Orphanet 685, MedGen C0037773, MONDO:0019064. Disease mechanism: loss of function.
Spastic paraplegia. Identifiers: MedGen C0037772, HP:0001258.

Allele frequency attached by ClinVar (database versions not stated): ESP Exome Variant Server 0.00092; gnomAD exomes 0.00501 and 0.01961; gnomAD 0.00852 and 0.00949; ExAC 0.01562; TOPMed 0.01606; 1000 Genomes Project 30x 0.02592; 1000 Genomes Project 0.02596.
gnomAD v4.1: 8,844 of 1,614,148 alleles (0.55%); highest among the groups gnomAD compares: Admixed American, 9.6%; 405 homozygotes.

Submissions (6):

Labcorp Genetics (formerly Invitae), Labcorp
Classification: Benign for Spastic paraplegia. Last evaluated: 2026-02-02. Review status: criteria provided, single submitter. Criteria: Invitae Variant Classification Sherloc (09022015). Collection method: clinical testing. Allele origin: germline.

Athena Diagnostics
Classification: Benign. Last evaluated: 2023-12-29. Review status: criteria provided, single submitter. Criteria: Athena Diagnostics Criteria. Collection method: clinical testing. Allele origin: unknown.

Genome Diagnostics Laboratory, The Hospital for Sick Children
Classification: Benign for Hereditary spastic paraplegia. Last evaluated: 2021-11-12. Review status: criteria provided, single submitter. Criteria: ACMG Guidelines, 2015. Collection method: clinical testing. Allele origin: germline. Affected: yes.

GeneDx
Classification: Benign. Last evaluated: 2016-08-03. Review status: criteria provided, single submitter. Criteria: GeneDx Variant Classification (06012015). Collection method: clinical testing. Allele origin: germline. Affected: yes.
Comment: This variant is considered likely benign or benign based on one or more of the following criteria: it is a conservative change, it occurs at a poorly conserved position in the protein, it is predicted to be benign by multiple in silico algorithms, and/or has population frequency not consistent with disease.

Mayo Clinic Laboratories, Mayo Clinic
Classification: Benign. Last evaluated: 2016-07-28. Review status: criteria provided, single submitter. Criteria: ACMG Guidelines, 2015. Collection method: clinical testing. Allele origin: germline. Observed: 19 variant alleles.

Breakthrough Genomics
Classification: Benign. Review status: criteria provided, single submitter. Criteria: ACMG Guidelines, 2015. Collection method: not provided. Allele origin: germline. Inheritance: Autosomal dominant inheritance. Affected: yes.